The following is an entry in ClinVar:

ClinVar aggregate classification (germline): Likely benign. Review status: criteria provided, multiple submitters, no conflicts (2 of 4 stars). 3 submissions from 3 submitters: Likely benign (3). Last evaluated 2026-06-01.

Conditions:
Huntington disease-like 1 (HDL1). Also called: HUNTINGTON-LIKE NEURODEGENERATIVE DISORDER 1; HUNTINGTON-LIKE NEURODEGENERATIVE DISORDER, AUTOSOMAL DOMINANT; PRION DISEASE, EARLY-ONSET, WITH PROMINENT PSYCHIATRIC FEATURES. Identifiers: Orphanet 157941, MedGen C1864112, MONDO:0011299, OMIM 603218.

Allele frequency attached by ClinVar (database versions not stated): gnomAD 0.00004; gnomAD exomes 0.00004; TOPMed 0.00012.

Submissions (3):

CeGaT Center for Human Genetics Tuebingen
Classification: Likely benign. Last evaluated: 2026-06-01. Review status: criteria provided, single submitter. Criteria: CeGaT Center For Human Genetics Tuebingen Variant Classification Criteria Version 2. Collection method: clinical testing. Allele origin: germline. Affected: yes. Observed: 1 variant allele.
Comment: PRNP: BP4, BP7

Labcorp Genetics (formerly Invitae), Labcorp
Classification: Likely benign for Huntington disease-like 1. Last evaluated: 2025-07-09. Review status: criteria provided, single submitter. Criteria: Invitae Variant Classification Sherloc (09022015). Collection method: clinical testing. Allele origin: germline.

Mayo Clinic Laboratories, Mayo Clinic
Classification: Likely benign. Last evaluated: 2025-05-20. Review status: criteria provided, single submitter. Criteria: ACMG Guidelines, 2015. Collection method: clinical testing. Allele origin: germline. Observed: 1 variant allele.
Comment: BP4, BP7

NM_000311.5(PRNP):c.564G>A (p.Thr188=)

Gene: PRNP (prion protein (Kanno blood group); plus strand). Cytogenetic location: 20p13.
Variant type: single nucleotide variant.
Coding change: c.564G>A on transcript NM_000311.5 (MANE Select); coding-DNA position 564, G replaced by A.
Protein change: p.Thr188=; no amino-acid change (threonine 188 retained).
Molecular consequence: synonymous variant. On other transcripts: 3 prime UTR variant (1).
Genome position (GRCh38, 1-based): chr20:4,699,784, G>A. VCF-style: chr20-4699784-G-A. GRCh37 (hg19) VCF-style: chr20-4680430-G-A.
Other names: p.Thr188=; c.564G>A, p.Thr188= (NM_001080121.3, NM_001080122.3, NM_001080123.3 and 1 more transcripts); c.*253G>A (NM_001271561.3).
Identifiers: ClinVar variation 1928151 (VCV001928151.8), dbSNP rs201447742, ClinGen allele CA311093426.